The following is an entry in ClinVar:

NM_001903.5(CTNNA1):c.797A>T (p.Asp266Val)

Gene: CTNNA1 (catenin alpha 1; plus strand). Cytogenetic location: 5q31.2.
Variant type: single nucleotide variant.
Coding change: c.797A>T on transcript NM_001903.5 (MANE Select); coding-DNA position 797, A replaced by T.
Protein change: p.Asp266Val; replaces aspartic acid 266 with valine.
Molecular consequence: missense variant.
Genome position (GRCh38, 1-based): chr5:138,824,738, A>T. VCF-style: chr5-138824738-A-T. GRCh37 (hg19) VCF-style: chr5-138160427-A-T.
Other names: c.797A>T, p.Asp266Val (NM_001290307.3, NM_001323982.2, NM_001323983.1 and 3 more transcripts); c.488A>T, p.Asp163Val (NM_001290309.3); c.428A>T, p.Asp143Val (NM_001290310.3); short protein forms D143V, D163V, D266V.
Identifiers: ClinVar variation 4869484 (VCV004869484.1).
Genomic context (GRCh38, chr5:138,824,738, plus strand): 5'-AGCAGCTGCAGCAGGCGGTCACAGGCATTTCCAATGCAGCCCAGGCCACTGCCTCAGACG[A>T]TGCCTCACAGCACCAGGGTGGAGGAGGAGGAGAACTGGCATATGCACTCAATAACTTTGA-3'
Protein context (NP_001894.2, residues 256-276): SNAAQATASD[Asp266Val]ASQHQGGGGG

ClinVar aggregate classification (germline): Uncertain significance (1 of 4 stars; one submission).

Conditions:
Hereditary cancer-predisposing syndrome. Also called: Neoplastic Syndromes, Hereditary; Tumor predisposition; Hereditary Cancer Syndrome; Hereditary neoplastic syndrome. Identifiers: Orphanet 140162, MedGen C0027672, MeSH D009386, MONDO:0015356.

Submission:

Ambry Genetics
Classification: Uncertain significance for Hereditary cancer-predisposing syndrome. Last evaluated: 2026-05-14. Review status: criteria provided, single submitter. Criteria: Ambry Variant Classification Scheme 2023. Collection method: clinical testing. Allele origin: germline.
Comment: The p.D266V variant (also known as c.797A>T), located in coding exon 5 of the CTNNA1 gene, results from an A to T substitution at nucleotide position 797. The aspartic acid at codon 266 is replaced by valine, an amino acid with highly dissimilar properties. This amino acid position is conserved. In addition, the in silico prediction for this alteration is inconclusive. Based on the available evidence, the clinical significance of this variant remains unclear.